The following is an entry in ClinVar:

NM_001278293.3(ARL6):c.480-2A>G

Gene: ARL6 (ARF like GTPase 6; plus strand). Cytogenetic location: 3q11.2.
Variant type: single nucleotide variant.
Coding change: c.480-2A>G on transcript NM_001278293.3 (MANE Select); the canonical splice acceptor site of the intron before coding-DNA position 480, A replaced by G.
Molecular consequence: splice acceptor variant. On other transcripts: non-coding transcript variant (2), intron variant (1).
Genome position (GRCh38, 1-based): chr3:97,791,769, A>G. VCF-style: chr3-97791769-A-G. GRCh37 (hg19) VCF-style: chr3-97510613-A-G.
Other names: c.480-2A>G (NM_032146.5, NM_177976.3, NM_001323513.2); c.479+3650A>G (NM_001323514.2).
Identifiers: ClinVar variation 4996105 (VCV004996105.1).

ClinVar aggregate classification (germline): Likely pathogenic (1 of 4 stars; one submission).

Conditions:
ARL6-related disorder. Also called: ARL6-related condition.

Submission:

PreventionGenetics, part of Exact Sciences
Classification: Likely pathogenic for ARL6-related condition. Last evaluated: 2025-11-30. Review status: criteria provided, single submitter. Criteria: ACMG Guidelines, 2015. Collection method: clinical testing. Allele origin: germline.
Comment: The ARL6 c.480-2A>G variant is predicted to disrupt the AG splice acceptor site and interfere with normal splicing. To our knowledge, this variant has not been reported in the literature or in a large population database (gnomAD), indicating this variant is rare. Variants that disrupt the consensus splice acceptor site in ARL6 are expected to be pathogenic. This variant is interpreted as likely pathogenic.